The following is an entry in ClinVar:

ClinVar aggregate classification (germline): Pathogenic (1 of 4 stars; one submission).

Submission:

CeGaT Center for Human Genetics Tuebingen
Classification: Pathogenic. Last evaluated: 2023-07-01. Review status: criteria provided, single submitter. Criteria: CeGaT Center For Human Genetics Tuebingen Variant Classification Criteria Version 2. Collection method: clinical testing. Allele origin: germline. Affected: yes. Observed: 1 variant allele.
Comment: NIPBL: PVS1, PS2, PM2

NM_133433.4(NIPBL):c.5225+2_5225+5del

Gene: NIPBL (NIPBL cohesin loading factor; plus strand). Cytogenetic location: 5p13.2.
Variant type: Deletion.
Coding change: c.5225+2_5225+5del on transcript NM_133433.4 (MANE Select); the canonical splice donor site of the intron after coding-DNA position 5225 through 5 bases into the intron after coding-DNA position 5225, 4 bases deleted (TAAG; older notation c.5225+2_5225+5delTAAG).
Molecular consequence: splice donor variant.
Genome position (GRCh38, 1-based): chr5:37,020,675-37,020,678, TAAG deleted; deleting any 4 consecutive bases within chr5:37,020,672-37,020,678 gives the same sequence; the c. name uses the placement nearest the transcript's 3' end. VCF-style (leftmost placement, unchanged base first): chr5-37020671-AAAGT-A. GRCh37 (hg19) VCF-style: chr5-37020773-AAAGT-A.
Other names: c.5225+2_5225+5del (NM_015384.5).
Identifiers: ClinVar variation 2578976 (VCV002578976.25), dbSNP rs2478318314, ClinGen allele CA2580617960.
Genomic context (GRCh38, chr5:37,020,671, plus strand): 5'-AAACCGAAAAAAGTTTCTTAGAAGCATTATCAAAACCACACCTTCTCAGTTTAGCACATT[AAAGT>A]AAGATCCAAGGAGAAAACAGTTTACATTTATCTCCTTGATATCTATTTCCCTAAGTTACA-3'